The following is an entry in ClinVar:

NM_000051.4(ATM):c.4718A>T (p.Asp1573Val)

Gene: ATM (ATM serine/threonine kinase; plus strand). Cytogenetic location: 11q22.3.
Variant type: single nucleotide variant.
Coding change: c.4718A>T on transcript NM_000051.4 (MANE Select); coding-DNA position 4718, A replaced by T.
Protein change: p.Asp1573Val; replaces aspartic acid 1573 with valine.
Molecular consequence: missense variant.
Genome position (GRCh38, 1-based): chr11:108,293,419, A>T. VCF-style: chr11-108293419-A-T. GRCh37 (hg19) VCF-style: chr11-108164146-A-T.
Other names: c.4718A>T, p.Asp1573Val (NM_001351834.2); short protein forms D1573V.
Identifiers: ClinVar variation 4756270 (VCV004756270.2).

ClinVar aggregate classification (germline): Uncertain significance. Review status: criteria provided, multiple submitters, no conflicts (2 of 4 stars). 2 submissions from 2 submitters: Uncertain significance (2). Last evaluated 2026-08-17.

Conditions:
Hereditary cancer-predisposing syndrome. Also called: Hereditary Cancer Syndrome; Hereditary neoplastic syndrome; Neoplastic Syndromes, Hereditary; Tumor predisposition. Identifiers: Orphanet 140162, MedGen C0027672, MeSH D009386, MONDO:0015356.

Submissions (2):

Ambry Genetics
Classification: Uncertain significance for Hereditary cancer-predisposing syndrome. Last evaluated: 2026-08-17. Review status: criteria provided, single submitter. Criteria: Ambry Variant Classification Scheme 2023. Collection method: clinical testing. Allele origin: germline.
Comment: The p.D1573V variant (also known as c.4718A>T), located in coding exon 30 of the ATM gene, results from an A to T substitution at nucleotide position 4718. The aspartic acid at codon 1573 is replaced by valine, an amino acid with highly dissimilar properties. In an assay testing ATM function, this variant showed a functionally normal result (Lee KS et al. Cell, 2025 Sep;188:5081-5099.e27). This amino acid position is not well conserved in available vertebrate species. In addition, this alteration is predicted to be tolerated by in silico analysis. Based on the available evidence, the clinical significance of this variant remains unclear.

Color Diagnostics, LLC DBA Color Health
Classification: Uncertain significance for Hereditary cancer-predisposing syndrome. Last evaluated: 2025-08-17. Review status: criteria provided, single submitter. Criteria: ACMG Guidelines, 2015. Collection method: clinical testing. Allele origin: germline.
Comment: This missense variant replaces aspartic acid with valine at codon 1573 of the ATM protein. Computational prediction suggests that this variant may not impact protein structure and function. To our knowledge, functional studies have not been reported for this variant. This variant has not been reported in individuals affected with ATM-related disorders in the literature. This variant has not been identified in the general population by the Genome Aggregation Database (gnomAD). The available evidence is insufficient to determine the role of this variant in disease conclusively. Therefore, this variant is classified as a Variant of Uncertain Significance.

Literature cited by the submitters: PubMed 40580951 (cited by Ambry Genetics).